The following is an entry in ClinVar:

NM_002633.3(PGM1):c.708C>G (p.Ile236Met)

Gene: PGM1 (phosphoglucomutase 1; plus strand). Cytogenetic location: 1p31.3.
Variant type: single nucleotide variant.
Coding change: c.708C>G on transcript NM_002633.3 (MANE Select); coding-DNA position 708, C replaced by G.
Protein change: p.Ile236Met; replaces isoleucine 236 with methionine.
Molecular consequence: missense variant.
Genome position (GRCh38, 1-based): chr1:63,634,854, C>G. VCF-style: chr1-63634854-C-G. GRCh37 (hg19) VCF-style: chr1-64100525-C-G.
Other names: c.762C>G, p.Ile254Met (NM_001172818.1); c.117C>G, p.Ile39Met (NM_001172819.2); short protein forms I236M, I254M, I39M.
Identifiers: ClinVar variation 297876 (VCV000297876.7), dbSNP rs200237046, ClinGen allele CA889616.

ClinVar aggregate classification (germline): Uncertain significance (1 of 4 stars; one submission).

Conditions:
PGM1-congenital disorder of glycosylation. Also called: CDG It; Congenital disorder of glycosylation type 1t; PHOSPHOGLUCOMUTASE 1 DEFICIENCY; PGM1 DEFICIENCY; GLYCOGEN STORAGE DISEASE XIV; GSD XIV. Identifiers: Orphanet 319646, MedGen C2752015, MONDO:0013968, OMIM 614921.

Allele frequency attached by ClinVar (database versions not stated): TOPMed below 0.00001; gnomAD 0.00002; gnomAD exomes 0.00002 and 0.00004; ExAC 0.00004; 1000 Genomes Project 30x 0.00016; 1000 Genomes Project 0.00020.
gnomAD v4.1: 32 of 1,613,464 alleles (0.002%); highest among the groups gnomAD compares: East Asian, 0.071%; no homozygotes.

Submission:

Labcorp Genetics (formerly Invitae), Labcorp
Classification: Uncertain significance for PGM1-congenital disorder of glycosylation. Last evaluated: 2022-04-12. Review status: criteria provided, single submitter. Criteria: Invitae Variant Classification Sherloc (09022015). Collection method: clinical testing. Allele origin: germline.
Comment: This sequence change replaces isoleucine, which is neutral and non-polar, with methionine, which is neutral and non-polar, at codon 236 of the PGM1 protein (p.Ile236Met). This variant is present in population databases (rs200237046, gnomAD 0.06%). This variant has not been reported in the literature in individuals affected with PGM1-related conditions. ClinVar contains an entry for this variant (Variation ID: 297876). Algorithms developed to predict the effect of missense changes on protein structure and function are either unavailable or do not agree on the potential impact of this missense change (SIFT: "Deleterious"; PolyPhen-2: "Probably Damaging"; Align-GVGD: "Class C0"). In summary, the available evidence is currently insufficient to determine the role of this variant in disease. Therefore, it has been classified as a Variant of Uncertain Significance.